The following is an entry in ClinVar:

NM_018706.7(DHTKD1):c.1757-3A>T

Gene: DHTKD1 (dehydrogenase E1 and transketolase domain containing 1; plus strand). Cytogenetic location: 10p14.
Variant type: single nucleotide variant.
Coding change: c.1757-3A>T on transcript NM_018706.7 (MANE Select); 3 bases into the intron before coding-DNA position 1757, A replaced by T.
Molecular consequence: intron variant.
Genome position (GRCh38, 1-based): chr10:12,101,039, A>T. VCF-style: chr10-12101039-A-T. GRCh37 (hg19) VCF-style: chr10-12143038-A-T.
Identifiers: ClinVar variation 2900082 (VCV002900082.3), dbSNP rs1833160938, ClinGen allele CA924989583.

ClinVar aggregate classification (germline): Uncertain significance (1 of 4 stars; one submission).

Conditions:
2-aminoadipic 2-oxoadipic aciduria (AAKAD). Also called: Aminoadipic aciduria; ALPHA-AMINOADIPIC AND ALPHA-KETOADIPIC ACIDURIA. Identifiers: Orphanet 79154, MedGen C1859817, MONDO:0008774, OMIM 204750.

Allele frequency attached by ClinVar (database versions not stated): gnomAD exomes below 0.00001; gnomAD 0.00001; TOPMed 0.00002.
gnomAD v4.1: 3 of 1,612,504 alleles (0.00019%); highest among the groups gnomAD compares: Admixed American, 0.0034%; no homozygotes.

Submission:

Labcorp Genetics (formerly Invitae), Labcorp
Classification: Uncertain significance for 2-aminoadipic 2-oxoadipic aciduria. Last evaluated: 2025-09-05. Review status: criteria provided, single submitter. Criteria: Invitae Variant Classification Sherloc (09022015). Collection method: clinical testing. Allele origin: germline.
Comment: This sequence change falls in intron 9 of the DHTKD1 gene. It does not directly change the encoded amino acid sequence of the DHTKD1 protein. It affects a nucleotide within the consensus splice site. This variant is not present in population databases (gnomAD no frequency). This variant has not been reported in the literature in individuals affected with DHTKD1-related conditions. ClinVar contains an entry for this variant (Variation ID: 2900082). Variants that disrupt the consensus splice site are a relatively common cause of aberrant splicing (PMID: 17576681, 9536098). Algorithms developed to predict the effect of sequence changes on RNA splicing suggest that this variant is not likely to affect RNA splicing. In summary, the available evidence is currently insufficient to determine the role of this variant in disease. Therefore, it has been classified as a Variant of Uncertain Significance.

Literature cited by the submitters: PubMed 17576681; PubMed 9536098.